The following is an entry in ClinVar:

ClinVar aggregate classification (germline): Uncertain significance. Review status: criteria provided, multiple submitters, no conflicts (2 of 4 stars). 8 submissions from 7 submitters: Uncertain significance (8). Last evaluated 2026-09-29.

Conditions:
Inborn genetic diseases. Identifiers: MedGen C0950123, MeSH D030342.
Amyotrophic lateral sclerosis type 4 (ALS4). Also called: NEURONOPATHY, DISTAL HEREDITARY MOTOR, WITH PYRAMIDAL FEATURES; AMYOTROPHIC LATERAL SCLEROSIS 4, JUVENILE. Identifiers: Orphanet 357043, MedGen C1865409, MONDO:0011223, OMIM 602433.
Spinocerebellar ataxia, autosomal recessive, with axonal neuropathy 2 (SCAN2). Also called: Ataxia with Oculomotor Apraxia Type 2; ATAXIA-OCULOMOTOR APRAXIA 2; Ataxia-ocular apraxia-2; Ataxia with Oculomotor Apraxia. Identifiers: Orphanet 64753, MedGen C1853761, MONDO:0018996, OMIM 606002.

Submissions (8):

GeneDx
Classification: Uncertain significance. Last evaluated: 2026-09-29. Review status: criteria provided, single submitter. Criteria: GeneDx Variant Classification Process June 2021. Collection method: clinical testing. Allele origin: germline.
Comment: Not observed at significant frequency in large population cohorts (gnomAD); In-frame deletion of 2 amino acid(s) in a non-repeat region; In silico analysis supports a deleterious effect on protein structure/function; Has not been previously published as pathogenic or benign to our knowledge

Labcorp Genetics (formerly Invitae), Labcorp
Classification: Uncertain significance for Amyotrophic lateral sclerosis type 4; Spinocerebellar ataxia, autosomal recessive, with axonal neuropathy 2. Last evaluated: 2025-02-12. Review status: criteria provided, single submitter. Criteria: Invitae Variant Classification Sherloc (09022015). Collection method: clinical testing. Allele origin: germline.
Comment: This variant, c.1427_1432del, results in the deletion of 2 amino acid(s) of the SETX protein (p.His476_Leu477del), but otherwise preserves the integrity of the reading frame. This variant is present in population databases (rs777314512, gnomAD 0.004%). This variant has been observed in individual(s) with SETX-related conditions (internal data). ClinVar contains an entry for this variant (Variation ID: 448305). Experimental studies and prediction algorithms are not available or were not evaluated, and the functional significance of this variant is currently unknown. In summary, the available evidence is currently insufficient to determine the role of this variant in disease. Therefore, it has been classified as a Variant of Uncertain Significance.

Mayo Clinic Laboratories, Mayo Clinic
Classification: Uncertain significance. Last evaluated: 2024-08-06. Review status: criteria provided, single submitter. Criteria: ACMG Guidelines, 2015. Collection method: clinical testing. Allele origin: germline. Observed: 1 variant allele.
Comment: PM2

Ambry Genetics
Classification: Uncertain significance for Inborn genetic diseases. Last evaluated: 2023-05-15. Review status: criteria provided, single submitter. Criteria: Ambry Variant Classification Scheme 2023. Collection method: clinical testing. Allele origin: germline.
Comment: The c.1427_1432delATTTGC (p.H476_L477del) alteration is located in exon 10 (coding exon 8) of the SETX gene. This alteration consists of an in-frame deletion of 6 nucleotides between nucleotide positions c.1427 and c.1432, resulting in the deletion of 2 residues. Based on insufficient or conflicting evidence, the clinical significance of this alteration remains unclear.

Genome-Nilou Lab
Classification: Uncertain significance for Spinocerebellar ataxia, autosomal recessive, with axonal neuropathy 2. Last evaluated: 2023-02-08. Review status: criteria provided, single submitter. Criteria: ACMG Guidelines, 2015. Collection method: clinical testing. Allele origin: germline.

Genome-Nilou Lab
Classification: Uncertain significance for Amyotrophic lateral sclerosis type 4. Last evaluated: 2023-02-08. Review status: criteria provided, single submitter. Criteria: ACMG Guidelines, 2015. Collection method: clinical testing. Allele origin: germline.

Athena Diagnostics
Classification: Uncertain significance. Last evaluated: 2023-01-27. Review status: criteria provided, single submitter. Criteria: Athena Diagnostics Criteria. Collection method: clinical testing. Allele origin: unknown.
Comment: Available data are insufficient to determine the clinical significance of the variant at this time. The frequency of this variant in the general population is uninformative in assessment of its pathogenicity. Computational tools yielded predictions that this variant is unlikely to have an effect on normal RNA splicing.

ARUP Laboratories, Molecular Genetics and Genomics, ARUP Laboratories
Classification: Uncertain significance. Last evaluated: 2020-04-24. Review status: criteria provided, single submitter. Criteria: ARUP Molecular Germline Variant Investigation Process. Collection method: clinical testing. Allele origin: germline.
Comment: The SETX c.1427_1432del; p.His476_Leu477del variant (rs777314512), to our knowledge, is not reported in the medical literature but is reported in ClinVar (Variation ID: 448305). This variant is found in the population with an overall allele frequency of 0.001 % (4/ 272,150 alleles) in the Genome Aggregation Database. This variant deletes a two residue leaving the rest of the protein in-frame. Due to limited information, the clinical significance of the p.His476_Leu477del variant is uncertain at this time.

NM_015046.7(SETX):c.1427_1432del (p.His476_Leu477del)

Gene: SETX (senataxin; minus strand). Cytogenetic location: 9q34.13.
Variant type: Deletion.
Coding change: c.1427_1432del on transcript NM_015046.7 (MANE Select); coding-DNA positions 1427 to 1432, 6 bases deleted (ATTTGC; older notation c.1427_1432delATTTGC).
Protein change: p.His476_Leu477del.
Molecular consequence: inframe deletion.
Genome position (GRCh38, 1-based): chr9:132,330,166-132,330,171, GCAAAT deleted on the plus strand (ATTTGC on the coding strand, the reverse complement: SETX is on the minus strand); deleting any 6 consecutive bases within chr9:132,330,166-132,330,176 gives the same sequence; the c. name uses the placement nearest the transcript's 3' end. VCF-style (leftmost placement, unchanged base first): chr9-132330165-AGCAAAT-A. GRCh37 (hg19) VCF-style: chr9-135205552-AGCAAAT-A.
Other names: c.1427_1432delATTTGC (NM_015046.5); c.1427_1432del, p.His476_Leu477del (NM_001351527.2, NM_001351528.2).
Identifiers: ClinVar variation 448305 (VCV000448305.24), dbSNP rs777314512, ClinGen allele CA5297778.